The following is an entry in ClinVar:

ClinVar aggregate classification (germline): Uncertain significance (1 of 4 stars; one submission).

Conditions:
PHIP-related disorder. Also called: PHIP-related disorders; PHIP-related condition.

gnomAD v4.1: 2 of 1,583,790 alleles (0.00013%); highest among the groups gnomAD compares: East Asian, 0.0023%; no homozygotes.

Submission:

PreventionGenetics, part of Exact Sciences
Classification: Uncertain significance for PHIP-related condition. Last evaluated: 2025-04-24. Review status: criteria provided, single submitter. Criteria: ACMG Guidelines, 2015. Collection method: clinical testing. Allele origin: germline.
Comment: The PHIP c.4256G>T variant is predicted to result in the amino acid substitution p.Ser1419Ile. To our knowledge, this variant has not been reported in the literature or in a large population database (gnomAD), indicating this variant is rare. At this time, the clinical significance of this variant is uncertain due to the absence of conclusive functional and genetic evidence.

NM_017934.7(PHIP):c.4256G>T (p.Ser1419Ile)

Genes: IRAK1BP1 (interleukin 1 receptor associated kinase 1 binding protein 1; plus strand), PHIP (PHIP subunit of CUL4-Ring ligase complex; minus strand). Cytogenetic location: 6q14.1.
Variant type: single nucleotide variant.
Coding change: c.4256G>T on transcript NM_017934.7 (MANE Select); coding-DNA position 4256, G replaced by T.
Protein change: p.Ser1419Ile; replaces serine 1419 with isoleucine.
Molecular consequence: missense variant.
Genome position (GRCh38, 1-based): chr6:78,946,825, C>A on the plus strand (G>T on the coding strand, the complement: PHIP is on the minus strand). VCF-style: chr6-78946825-C-A. GRCh37 (hg19) VCF-style: chr6-79656542-C-A.
Other names: short protein forms S1419I.
Identifiers: ClinVar variation 4999370 (VCV004999370.1).